The following is an entry in ClinVar:

ClinVar aggregate classification (germline): Benign/Likely benign. Review status: criteria provided, multiple submitters, no conflicts (2 of 4 stars). 5 submissions from 5 submitters: Benign (1); Likely benign (2). 2 of the submissions do not count toward it. Last evaluated 2026-01-26.

Conditions:
Congenital stationary night blindness 1E. Also called: Night blindness, congenital stationary (complete), 1E, autosomal recessive. Identifiers: Orphanet 215, MedGen C3281215, MONDO:0013807, OMIM 614565.

Allele frequency attached by ClinVar (database versions not stated): 1000 Genomes Project 0.00040; 1000 Genomes Project 30x 0.00047; TOPMed 0.00119; gnomAD 0.00130 and 0.00141; ESP Exome Variant Server 0.00144; gnomAD exomes 0.00150 and 0.00179; ExAC 0.00176.
gnomAD v4.1: 2,777 of 1,614,098 alleles (0.17%); highest among the groups gnomAD compares: Non-Finnish European, 0.21%; 3 homozygotes.

Submissions (5):

Labcorp Genetics (formerly Invitae), Labcorp
Classification: Benign. Last evaluated: 2026-01-26. Review status: criteria provided, single submitter. Criteria: Invitae Variant Classification Sherloc (09022015). Collection method: clinical testing. Allele origin: germline.

Blueprint Genetics
Classification: Likely benign. Last evaluated: 2024-11-25. Review status: criteria provided, single submitter. Criteria: ACMG Guidelines, 2015. Collection method: clinical testing. Allele origin: germline.

Illumina Laboratory Services, Illumina
Classification: Likely benign for Congenital stationary night blindness 1E. Last evaluated: 2018-01-13. Review status: criteria provided, single submitter. Criteria: ICSL Variant Classification Criteria 13 December 2019. Collection method: clinical testing. Allele origin: germline.
Comment: This variant was observed in the ICSL laboratory as part of a predisposition screen in an ostensibly healthy population. It had not been previously curated by ICSL or reported in the Human Gene Mutation Database (HGMD: prior to June 1st, 2018), and was therefore a candidate for classification through an automated scoring system. Utilizing variant allele frequency, disease prevalence and penetrance estimates, and inheritance mode, an automated score was calculated to assess if this variant is too frequent to cause the disease. Based on the score and internal cut-off values, a variant classified as likely benign is not then subjected to further curation. The score for this variant resulted in a classification of likely benign for this disease.

Clinical Genetics DNA and cytogenetics Diagnostics Lab, Erasmus MC, Erasmus Medical Center
Classification: Likely benign. Review status: no assertion criteria provided. Collection method: clinical testing. Allele origin: germline. Affected: yes. Study: VKGL Data-share Consensus. Not counted in ClinVar's aggregate classification.

Clinical Genetics, Academic Medical Center
Classification: Likely benign. Review status: no assertion criteria provided. Collection method: clinical testing. Allele origin: germline. Affected: yes. Study: VKGL Data-share Consensus. Not counted in ClinVar's aggregate classification.

NM_001004334.4(GPR179):c.657A>T (p.Gly219=)

Gene: GPR179 (G protein-coupled receptor 179; minus strand). Cytogenetic location: 17q12.
Variant type: single nucleotide variant.
Coding change: c.657A>T on transcript NM_001004334.4 (MANE Select); coding-DNA position 657, A replaced by T.
Protein change: p.Gly219=; no amino-acid change (glycine 219 retained).
Molecular consequence: synonymous variant.
Genome position (GRCh38, 1-based): chr17:38,343,133, T>A on the plus strand (A>T on the coding strand, the complement: GPR179 is on the minus strand). VCF-style: chr17-38343133-T-A. GRCh37 (hg19) VCF-style: chr17-36499016-T-A.
Identifiers: ClinVar variation 323034 (VCV000323034.17), dbSNP rs116896787, ClinGen allele CA10650047.